The following is an entry in ClinVar:

NM_020928.2(ZSWIM6):c.1344G>T (p.Trp448Cys)

Gene: ZSWIM6 (zinc finger SWIM-type containing 6; plus strand). Cytogenetic location: 5q12.1.
Variant type: single nucleotide variant.
Coding change: c.1344G>T on transcript NM_020928.2 (MANE Select); coding-DNA position 1344, G replaced by T.
Protein change: p.Trp448Cys; replaces tryptophan 448 with cysteine.
Molecular consequence: missense variant.
Genome position (GRCh38, 1-based): chr5:61,521,273, G>T. VCF-style: chr5-61521273-G-T. GRCh37 (hg19) VCF-style: chr5-60817100-G-T.
Other names: short protein forms W448C.
Identifiers: ClinVar variation 3659890 (VCV003659890.2).

ClinVar aggregate classification (germline): Uncertain significance (1 of 4 stars; one submission).

gnomAD v4.1: 1 of 1,416,800 alleles (0.000071%); highest among the groups gnomAD compares: Admixed American, 0.0026%; no homozygotes.

Submission:

Labcorp Genetics (formerly Invitae), Labcorp
Classification: Uncertain significance. Last evaluated: 2024-07-25. Review status: criteria provided, single submitter. Criteria: Invitae Variant Classification Sherloc (09022015). Collection method: clinical testing. Allele origin: germline.
Comment: This sequence change replaces tryptophan, which is neutral and slightly polar, with cysteine, which is neutral and slightly polar, at codon 448 of the ZSWIM6 protein (p.Trp448Cys). This variant is present in population databases (no rsID available, gnomAD 0.008%). This variant has not been reported in the literature in individuals affected with ZSWIM6-related conditions. Advanced modeling of protein sequence and biophysical properties (such as structural, functional, and spatial information, amino acid conservation, physicochemical variation, residue mobility, and thermodynamic stability) performed at Invitae indicates that this missense variant is not expected to disrupt ZSWIM6 protein function with a negative predictive value of 80%. In summary, the available evidence is currently insufficient to determine the role of this variant in disease. Therefore, it has been classified as a Variant of Uncertain Significance.